The following is an entry in ClinVar:

NM_004174.4(SLC9A3):c.2012T>A (p.Leu671His)

Genes: SLC9A3 (solute carrier family 9 member A3), SLC9A3-AS1 (SLC9A3 antisense RNA 1; plus strand). Cytogenetic location: 5p15.33.
Variant type: single nucleotide variant.
Coding change: c.2012T>A on transcript NM_004174.4 (MANE Select); coding-DNA position 2012, T replaced by A.
Protein change: p.Leu671His; replaces leucine 671 with histidine.
Molecular consequence: missense variant. On other transcripts: non-coding transcript variant (1).
Genome position (GRCh38, 1-based): chr5:476,257, A>T on the plus strand (T>A on the coding strand, the complement: SLC9A3 is on the minus strand). VCF-style: chr5-476257-A-T. GRCh37 (hg19) VCF-style: chr5-476372-A-T.
Other names: c.1985T>A, p.Leu662His (NM_001284351.3); short protein forms L662H, L671H.
Identifiers: ClinVar variation 1485350 (VCV001485350.6), dbSNP rs2126604917, ClinGen allele CA359024981.

ClinVar aggregate classification (germline): Uncertain significance (1 of 4 stars; one submission).

Submission:

Labcorp Genetics (formerly Invitae), Labcorp
Classification: Uncertain significance. Last evaluated: 2022-02-09. Review status: criteria provided, single submitter. Criteria: Invitae Variant Classification Sherloc (09022015). Collection method: clinical testing. Allele origin: germline.
Comment: In summary, the available evidence is currently insufficient to determine the role of this variant in disease. Therefore, it has been classified as a Variant of Uncertain Significance. Algorithms developed to predict the effect of missense changes on protein structure and function are either unavailable or do not agree on the potential impact of this missense change (SIFT: "Not Available"; PolyPhen-2: "Possibly Damaging"; Align-GVGD: "Not Available"). This variant has not been reported in the literature in individuals affected with SLC9A3-related conditions. This variant is not present in population databases (gnomAD no frequency). This sequence change replaces leucine with histidine at codon 671 of the SLC9A3 protein (p.Leu671His). The leucine residue is weakly conserved and there is a moderate physicochemical difference between leucine and histidine.